The following is an entry in ClinVar:

ClinVar aggregate classification (germline): Pathogenic (1 of 4 stars; one submission).

Submission:

Labcorp Genetics (formerly Invitae), Labcorp
Classification: Pathogenic. Last evaluated: 2022-01-19. Review status: criteria provided, single submitter. Criteria: Invitae Variant Classification Sherloc (09022015). Collection method: clinical testing. Allele origin: germline.
Comment: For these reasons, this variant has been classified as Pathogenic. This variant has not been reported in the literature in individuals affected with RARS2-related conditions. This variant is not present in population databases (gnomAD no frequency). This sequence change creates a premature translational stop signal (p.Gly478*) in the RARS2 gene. It is expected to result in an absent or disrupted protein product. Loss-of-function variants in RARS2 are known to be pathogenic (PMID: 17847012, 22569581, 26083569).

Literature cited by the submitters: PubMed 17847012; PubMed 22569581; PubMed 26083569.

NM_020320.5(RARS2):c.1432G>T (p.Gly478Ter)

Gene: RARS2 (arginyl-tRNA synthetase 2, mitochondrial; minus strand). Cytogenetic location: 6q15.
Variant type: single nucleotide variant.
Coding change: c.1432G>T on transcript NM_020320.5 (MANE Select); coding-DNA position 1432, G replaced by T.
Protein change: p.Gly478Ter; replaces glycine 478 with a stop codon.
Molecular consequence: nonsense. On other transcripts: non-coding transcript variant (19).
Genome position (GRCh38, 1-based): chr6:87,518,248, C>A on the plus strand (G>T on the coding strand, the complement: RARS2 is on the minus strand). VCF-style: chr6-87518248-C-A. GRCh37 (hg19) VCF-style: chr6-88227966-C-A.
Other names: c.907G>T, p.Gly303Ter (NM_001318785.2, NM_001350506.2, NM_001350507.2 and 4 more transcripts); c.1432G>T, p.Gly478Ter (NM_001350505.2); short protein forms G303*, G478*.
Identifiers: ClinVar variation 1427423 (VCV001427423.6), dbSNP rs1475065783, ClinGen allele CA364921189.